The following is an entry in ClinVar:

ClinVar aggregate classification (germline): Pathogenic (1 of 4 stars; one submission).

Conditions:
Inborn genetic diseases. Identifiers: MedGen C0950123, MeSH D030342.

Submission:

Ambry Genetics
Classification: Pathogenic for Inborn genetic diseases. Last evaluated: 2022-05-10. Review status: criteria provided, single submitter. Criteria: Ambry Variant Classification Scheme 2023. Collection method: clinical testing. Allele origin: germline.
Comment: The c.1583G>A (p.W528*) alteration, located in exon 10 (coding exon 10) of the GUSB gene, consists of a G to A substitution at nucleotide position 1583. This changes the amino acid from a tryptophan (W) to a stop codon at amino acid position 528. This alteration is expected to result in loss of function by premature protein truncation or nonsense-mediated mRNA decay. This variant was not reported in population-based cohorts in the Genome Aggregation Database (gnomAD). Based on the available evidence, this alteration is classified as pathogenic.

NM_000181.4(GUSB):c.1583G>A (p.Trp528Ter)

Genes: GUSB (glucuronidase beta; minus strand), LOC126860055 (MED14-independent group 3 enhancer GRCh37_chr7:65432190-65433389; plus strand). Cytogenetic location: 7q11.21.
Variant type: single nucleotide variant.
Coding change: c.1583G>A on transcript NM_000181.4 (MANE Select); coding-DNA position 1583, G replaced by A.
Protein change: p.Trp528Ter; replaces tryptophan 528 with a stop codon.
Molecular consequence: nonsense. On other transcripts: non-coding transcript variant (1).
Genome position (GRCh38, 1-based): chr7:65,967,801, C>T on the plus strand (G>A on the coding strand, the complement: GUSB is on the minus strand). VCF-style: chr7-65967801-C-T. GRCh37 (hg19) VCF-style: chr7-65432788-C-T.
Other names: c.1145G>A, p.Trp382Ter (NM_001284290.2); c.1013G>A, p.Trp338Ter (NM_001293104.2); c.926G>A, p.Trp309Ter (NM_001293105.2); short protein forms W528*, W309*, W382*, W338*.
Identifiers: ClinVar variation 2231212 (VCV002231212.2), dbSNP rs2484764776, ClinGen allele CA367640039.
Genomic context (GRCh38, chr7:65,967,801, plus strand): 5'-CCTGCAATCGTTTCTGCTCCATACTCGCTCTGAATAATGGGCTTCTGATACTTCTTATAC[C>T]AGTTCTCAAACTGGGTGGCCAGCTGCAGCTGAATCAACTCCAGGTGCCCGTAGTCGTGAT-3'